The following is an entry in ClinVar:

NM_017739.4(POMGNT1):c.1165G>T (p.Ala389Ser)

Genes: POMGNT1 (protein O-linked mannose N-acetylglucosaminyltransferase 1 (beta 1,2-); minus strand), TSPAN1 (tetraspanin 1; plus strand). Cytogenetic location: 1p34.1.
Variant type: single nucleotide variant.
Coding change: c.1165G>T on transcript NM_017739.4 (MANE Select); coding-DNA position 1165, G replaced by T.
Protein change: p.Ala389Ser; replaces alanine 389 with serine.
Molecular consequence: missense variant.
Genome position (GRCh38, 1-based): chr1:46,192,946, C>A on the plus strand (G>T on the coding strand, the complement: POMGNT1 is on the minus strand). VCF-style: chr1-46192946-C-A. GRCh37 (hg19) VCF-style: chr1-46658618-C-A.
Other names: c.1165G>T, p.Ala389Ser (NM_001243766.2, NM_001410783.1); c.1099G>T, p.Ala367Ser (NM_001290129.3); c.736G>T, p.Ala246Ser (NM_001290130.2); short protein forms A246S, A367S, A389S.
Identifiers: ClinVar variation 1381493 (VCV001381493.8), dbSNP rs374639571, ClinGen allele CA833448.

ClinVar aggregate classification (germline): Uncertain significance (1 of 4 stars; one submission).

Conditions:
Autosomal recessive limb-girdle muscular dystrophy type 2O. Also called: Limb-Girdle Muscular Dystrophy Type 3C; MUSCULAR DYSTROPHY-DYSTROGLYCANOPATHY (LIMB-GIRDLE), TYPE C, 3; MUSCULAR DYSTROPHY-DYSTROGLYCANOPATHY, LIMB-GIRDLE, POMGNT1-RELATED. Identifiers: Orphanet 206564, MedGen C3150417, MONDO:0013161, OMIM 613157.
Muscular dystrophy-dystroglycanopathy (congenital with impaired intellectual development), type B, 3. Also called: MUSCULAR DYSTROPHY, CONGENITAL, POMGNT1-RELATED; Muscular dystrophy-dystroglycanopathy (congenital with intellectual disability), type B3. Identifiers: MedGen C3150412, MONDO:0013155, OMIM 613151.

Allele frequency attached by ClinVar (database versions not stated): TOPMed 0.00001.
gnomAD v4.1: 1 of 1,614,208 alleles (0.000062%); highest among the groups gnomAD compares: Admixed American, 0.0017%; no homozygotes.

Submission:

Labcorp Genetics (formerly Invitae), Labcorp
Classification: Uncertain significance for Autosomal recessive limb-girdle muscular dystrophy type 2O; Muscular dystrophy-dystroglycanopathy (congenital with impaired intellectual development), type B, 3. Last evaluated: 2022-08-17. Review status: criteria provided, single submitter. Criteria: Invitae Variant Classification Sherloc (09022015). Collection method: clinical testing. Allele origin: germline.
Comment: This variant has not been reported in the literature in individuals affected with POMGNT1-related conditions. This variant is present in population databases (rs374639571, gnomAD 0.003%). This sequence change replaces alanine, which is neutral and non-polar, with serine, which is neutral and polar, at codon 389 of the POMGNT1 protein (p.Ala389Ser). ClinVar contains an entry for this variant (Variation ID: 1381493). In summary, the available evidence is currently insufficient to determine the role of this variant in disease. Therefore, it has been classified as a Variant of Uncertain Significance. Advanced modeling of protein sequence and biophysical properties (such as structural, functional, and spatial information, amino acid conservation, physicochemical variation, residue mobility, and thermodynamic stability) performed at Invitae indicates that this missense variant is not expected to disrupt POMGNT1 protein function.